The following is an entry in ClinVar:

ClinVar aggregate classification (germline): Likely benign. Review status: criteria provided, multiple submitters, no conflicts (2 of 4 stars). 2 submissions from 2 submitters: Likely benign (2). Last evaluated 2026-08-20.

Conditions:
PLEC-related disorder. Also called: PLEC-related disorders; PLEC-related condition.
Epidermolysis bullosa simplex with nail dystrophy (EBS5D). Identifiers: MedGen C4225309, MONDO:0014661, OMIM 616487.
Autosomal recessive limb-girdle muscular dystrophy type 2Q (LGMDR17). Also called: MUSCULAR DYSTROPHY, LIMB-GIRDLE, AUTOSOMAL RECESSIVE 17. Identifiers: Orphanet 254361, MedGen C3150989, MONDO:0013390, OMIM 613723.
Epidermolysis bullosa simplex, Ogna type (EBS5A). Also called: Pidermolysis bullosa simplex 5A, Ogna type; EPIDERMOLYSIS BULLOSA SIMPLEX 5A, OGNA TYPE. Identifiers: Orphanet 79401, MedGen C0432317, MONDO:0007555, OMIM 131950.
Epidermolysis bullosa simplex 5C, with pyloric atresia (EBS5C). Also called: PLEC-Related Epidermolysis Bullosa with Pyloric Atresia; Epidermolysis bullosa simplex with pyloric atresia; PLEC1-Related Epidermolysis Bullosa with Pyloric Atresia. Identifiers: Orphanet 158684, MedGen C2677349, MONDO:0012807, OMIM 612138.
Epidermolysis bullosa simplex 5B, with muscular dystrophy (EBS5B). Also called: EPIDERMOLYSIS BULLOSA SIMPLEX AND LIMB-GIRDLE MUSCULAR DYSTROPHY; Epidermolysis bullosa simplex with muscular dystrophy. Identifiers: Orphanet 257, MedGen C2931072, MONDO:0009181, OMIM 226670.

Allele frequency attached by ClinVar (database versions not stated): ExAC 0.00002; gnomAD exomes 0.00002; gnomAD 0.00007 and 0.00008; 1000 Genomes Project 30x 0.00031; 1000 Genomes Project 0.00040.
gnomAD v4.1: 24 of 1,613,916 alleles (0.0015%); highest among the groups gnomAD compares: African/African-American, 0.027%; no homozygotes.

Submissions (2):

PreventionGenetics, part of Exact Sciences
Classification: Likely benign for PLEC-related condition. Last evaluated: 2026-08-20. Review status: criteria provided, single submitter. Criteria: ACMG Guidelines, 2015. Collection method: clinical testing. Allele origin: germline.
Comment: This variant is classified as likely benign based on ACMG/AMP sequence variant interpretation guidelines (Richards et al. 2015 PMID: 25741868, with internal and published modifications).

Labcorp Genetics (formerly Invitae), Labcorp
Classification: Likely benign for Autosomal recessive limb-girdle muscular dystrophy type 2Q; Epidermolysis bullosa simplex, Ogna type; Epidermolysis bullosa simplex with nail dystrophy; Epidermolysis bullosa simplex 5C, with pyloric atresia; Epidermolysis bullosa simplex 5B, with muscular dystrophy. Last evaluated: 2025-01-26. Review status: criteria provided, single submitter. Criteria: Invitae Variant Classification Sherloc (09022015). Collection method: clinical testing. Allele origin: germline.

NM_201384.3(PLEC):c.10587G>C (p.Arg3529=)

Gene: PLEC (plectin; minus strand). Cytogenetic location: 8q24.3.
Variant type: single nucleotide variant.
Coding change: c.10587G>C on transcript NM_201384.3 (MANE Select); coding-DNA position 10587, G replaced by C.
Protein change: p.Arg3529=; no amino-acid change (arginine 3529 retained).
Molecular consequence: synonymous variant.
Genome position (GRCh38, 1-based): chr8:143,919,234, C>G on the plus strand (G>C on the coding strand, the complement: PLEC is on the minus strand). VCF-style: chr8-143919234-C-G. GRCh37 (hg19) VCF-style: chr8-144993402-C-G.
Other names: c.10668G>C (NM_000445.4); c.10668G>C, p.Arg3556= (NM_000445.5); c.10545G>C, p.Arg3515= (NM_201378.4); c.10521G>C, p.Arg3507= (NM_201379.3); c.10998G>C, p.Arg3666= (NM_201380.4); c.10491G>C, p.Arg3497= (NM_201381.3); c.10587G>C, p.Arg3529= (NM_201382.4); c.10599G>C, p.Arg3533= (NM_201383.3).
Identifiers: ClinVar variation 1101425 (VCV001101425.10), dbSNP rs150743194, ClinGen allele CA4924599.